The following is an entry in ClinVar:

NM_000094.4(COL7A1):c.8191G>A (p.Gly2731Ser)

Gene: COL7A1 (collagen type VII alpha 1 chain; minus strand). Cytogenetic location: 3p21.31.
Variant type: single nucleotide variant.
Coding change: c.8191G>A on transcript NM_000094.4 (MANE Select); coding-DNA position 8191, G replaced by A.
Protein change: p.Gly2731Ser; replaces glycine 2731 with serine.
Molecular consequence: missense variant.
Genome position (GRCh38, 1-based): chr3:48,566,942, C>T on the plus strand (G>A on the coding strand, the complement: COL7A1 is on the minus strand). VCF-style: chr3-48566942-C-T. GRCh37 (hg19) VCF-style: chr3-48604375-C-T.
Other names: short protein forms G2731S.
Identifiers: ClinVar variation 2734499 (VCV002734499.3), dbSNP rs2530817698, ClinGen allele CA352639668.
Genomic context (GRCh38, chr3:48,566,942, plus strand): 5'-AGGAGTCAGAGCTGGGGCCCCTTACCTTCTGGCCCTGAAGTCCTTCGGGGCCTCTGGGAC[C>T]AACACTGCCAGGTGGCCCTGGGGGACCAGCAGAGCCATCATTTCCACTGGGGCCTGGGAA-3'
Protein context (NP_000085.1, residues 2721-2741): AGPPGPPGSV[Gly2731Ser]PRGPEGLQGQ

ClinVar aggregate classification (germline): Pathogenic (1 of 4 stars; one submission).

Submission:

Labcorp Genetics (formerly Invitae), Labcorp
Classification: Pathogenic. Last evaluated: 2022-12-16. Review status: criteria provided, single submitter. Criteria: Invitae Variant Classification Sherloc (09022015). Collection method: clinical testing. Allele origin: germline.
Comment: This missense change has been observed in individual(s) with autosomal recessive epidermolysis bullosa dystrophica (PMID: 27899325). Advanced modeling of protein sequence and biophysical properties (such as structural, functional, and spatial information, amino acid conservation, physicochemical variation, residue mobility, and thermodynamic stability) performed at Invitae indicates that this missense variant is expected to disrupt COL7A1 protein function. This variant disrupts the triple helix domain of COL7A1. Glycine residues within the Gly-Xaa-Yaa repeats of the triple helix domain are required for the structure and stability of fibrillar collagens (PMID: 7695699, 8218237, 19344236), and variants at these glycine residues in COL7A1 are more frequently observed in individuals with disease than in the general population (PMID: 22058051). However, the clinical significance of this observation remains uncertain since only a limited number of affected individuals have been described to date. For these reasons, this variant has been classified as Pathogenic. This variant is not present in population databases (gnomAD no frequency). This sequence change replaces glycine, which is neutral and non-polar, with serine, which is neutral and polar, at codon 2731 of the COL7A1 protein (p.Gly2731Ser).

Literature cited by the submitters: PubMed 27899325; PubMed 7695699; PubMed 8218237; PubMed 19344236; PubMed 22058051.